The following is an entry in ClinVar:

ClinVar aggregate classification (germline): Uncertain significance. Review status: criteria provided, multiple submitters, no conflicts (2 of 4 stars). 2 submissions from 2 submitters: Uncertain significance (2). Last evaluated 2024-12-25.

Allele frequency attached by ClinVar (database versions not stated): ExAC 0.00002; TOPMed 0.00002; gnomAD 0.00003.
gnomAD v4.1: 38 of 1,613,802 alleles (0.0024%); highest among the groups gnomAD compares: Admixed American, 0.0017%; no homozygotes.

Submissions (2):

Ambry Genetics
Classification: Uncertain significance. Last evaluated: 2024-12-25. Review status: criteria provided, single submitter. Criteria: Ambry Variant Classification Scheme 2023. Collection method: clinical testing. Allele origin: germline.

Labcorp Genetics (formerly Invitae), Labcorp
Classification: Uncertain significance. Last evaluated: 2022-05-18. Review status: criteria provided, single submitter. Criteria: Invitae Variant Classification Sherloc (09022015). Collection method: clinical testing. Allele origin: germline.
Comment: This sequence change replaces isoleucine, which is neutral and non-polar, with arginine, which is basic and polar, at codon 859 of the TMPRSS15 protein (p.Ile859Arg). This variant is present in population databases (rs776130106, gnomAD 0.08%). This variant has not been reported in the literature in individuals affected with TMPRSS15-related conditions. Algorithms developed to predict the effect of missense changes on protein structure and function are either unavailable or do not agree on the potential impact of this missense change (SIFT: "Not Available"; PolyPhen-2: "Probably Damaging"; Align-GVGD: "Not Available"). In summary, the available evidence is currently insufficient to determine the role of this variant in disease. Therefore, it has been classified as a Variant of Uncertain Significance.

NM_002772.3(TMPRSS15):c.2576T>G (p.Ile859Arg)

Gene: TMPRSS15 (transmembrane serine protease 15; minus strand). Cytogenetic location: 21q21.1.
Variant type: single nucleotide variant.
Coding change: c.2576T>G on transcript NM_002772.3 (MANE Select); coding-DNA position 2576, T replaced by G.
Protein change: p.Ile859Arg; replaces isoleucine 859 with arginine.
Molecular consequence: missense variant.
Genome position (GRCh38, 1-based): chr21:18,281,132, A>C on the plus strand (T>G on the coding strand, the complement: TMPRSS15 is on the minus strand). VCF-style: chr21-18281132-A-C. GRCh37 (hg19) VCF-style: chr21-19653449-A-C.
Other names: c.2576T>G (NM_002772.2); short protein forms I859R.
Identifiers: ClinVar variation 1972321 (VCV001972321.3), dbSNP rs776130106, ClinGen allele CA9984001.